The following is an entry in ClinVar:

NM_000548.5(TSC2):c.4102G>C (p.Gly1368Arg)

Gene: TSC2 (TSC complex subunit 2; plus strand). Cytogenetic location: 16p13.3.
Variant type: single nucleotide variant.
Coding change: c.4102G>C on transcript NM_000548.5 (MANE Select); coding-DNA position 4102, G replaced by C.
Protein change: p.Gly1368Arg; replaces glycine 1368 with arginine.
Molecular consequence: missense variant.
Genome position (GRCh38, 1-based): chr16:2,084,324, G>C. VCF-style: chr16-2084324-G-C. GRCh37 (hg19) VCF-style: chr16-2134325-G-C.
Other names: c.3901G>C, p.Gly1301Arg (NM_001077183.3); c.4033G>C, p.Gly1345Arg (NM_001114382.3); c.3793G>C, p.Gly1265Arg (NM_001318827.2); c.3757G>C, p.Gly1253Arg (NM_001318829.2); c.3370G>C, p.Gly1124Arg (NM_001318831.2); c.3934G>C, p.Gly1312Arg (NM_001318832.2); c.3904G>C, p.Gly1302Arg (NM_001363528.2); c.3970G>C, p.Gly1324Arg (NM_001370404.1); and 2 more; short protein forms G1124R, G1253R, G1265R, G1301R, G1302R, G1312R, G1324R, G1325R.
Identifiers: ClinVar variation 1010921 (VCV001010921.9), dbSNP rs1596415966, ClinGen allele CA394299485.

ClinVar aggregate classification (germline): Uncertain significance. Review status: criteria provided, multiple submitters, no conflicts (2 of 4 stars). 2 submissions from 2 submitters: Uncertain significance (2). Last evaluated 2026-06-24.

Conditions:
Tuberous sclerosis 2 (TSC2). Identifiers: Orphanet 805, MedGen C1860707, MONDO:0013199, OMIM 613254.
Hereditary cancer-predisposing syndrome. Also called: Tumor predisposition; Hereditary Cancer Syndrome; Hereditary neoplastic syndrome; Neoplastic Syndromes, Hereditary. Identifiers: Orphanet 140162, MedGen C0027672, MeSH D009386, MONDO:0015356.

Submissions (2):

Ambry Genetics
Classification: Uncertain significance for Hereditary cancer-predisposing syndrome. Last evaluated: 2026-06-24. Review status: criteria provided, single submitter. Criteria: Ambry Variant Classification Scheme 2023. Collection method: clinical testing. Allele origin: germline.
Comment: The p.G1368R variant (also known as c.4102G>C), located in coding exon 33 of the TSC2 gene, results from a G to C substitution at nucleotide position 4102. The glycine at codon 1368 is replaced by arginine, an amino acid with dissimilar properties. This amino acid position is conserved. In addition, the in silico prediction for this alteration is inconclusive. Based on the available evidence, the clinical significance of this variant remains unclear.

Labcorp Genetics (formerly Invitae), Labcorp
Classification: Uncertain significance for Tuberous sclerosis 2. Last evaluated: 2020-03-18. Review status: criteria provided, single submitter. Criteria: Invitae Variant Classification Sherloc (09022015). Collection method: clinical testing. Allele origin: germline.
Comment: In summary, the available evidence is currently insufficient to determine the role of this variant in disease. Therefore, it has been classified as a Variant of Uncertain Significance. Algorithms developed to predict the effect of missense changes on protein structure and function (SIFT, PolyPhen-2, Align-GVGD) all suggest that this variant is likely to be tolerated, but these predictions have not been confirmed by published functional studies and their clinical significance is uncertain. This variant has not been reported in the literature in individuals with TSC2-related conditions. This variant is not present in population databases (ExAC no frequency). This sequence change replaces glycine with arginine at codon 1368 of the TSC2 protein (p.Gly1368Arg). The glycine residue is weakly conserved and there is a moderate physicochemical difference between glycine and arginine.